The following is an entry in ClinVar:

ClinVar aggregate classification (germline): Uncertain significance (1 of 4 stars; one submission).

Conditions:
Isolated microphthalmia 5. Also called: Posterior Microphthalmia with Retinitis Pigmentosa, Foveoschisis, and Optic Disc Drusen. Identifiers: Orphanet 251279, MedGen C1970236, MONDO:0012605, OMIM 611040.

Submission:

Labcorp Genetics (formerly Invitae), Labcorp
Classification: Uncertain significance for Isolated microphthalmia 5. Last evaluated: 2022-07-18. Review status: criteria provided, single submitter. Criteria: Invitae Variant Classification Sherloc (09022015). Collection method: clinical testing. Allele origin: germline.
Comment: Algorithms developed to predict the effect of missense changes on protein structure and function (SIFT, PolyPhen-2, Align-GVGD) all suggest that this variant is likely to be disruptive. ClinVar contains an entry for this variant (Variation ID: 1498390). This variant has not been reported in the literature in individuals affected with MFRP-related conditions. This variant is not present in population databases (gnomAD no frequency). This sequence change replaces leucine, which is neutral and non-polar, with proline, which is neutral and non-polar, at codon 510 of the MFRP protein (p.Leu510Pro). In summary, the available evidence is currently insufficient to determine the role of this variant in disease. Therefore, it has been classified as a Variant of Uncertain Significance.

NM_031433.4(MFRP):c.1529T>C (p.Leu510Pro)

Genes: C1QTNF5 (C1q and TNF related 5; minus strand), MFRP (membrane frizzled-related protein; minus strand). Cytogenetic location: 11q23.3.
Variant type: single nucleotide variant.
Coding change: c.1529T>C on transcript NM_031433.4 (MANE Select); coding-DNA position 1529, T replaced by C.
Protein change: p.Leu510Pro; replaces leucine 510 with proline.
Molecular consequence: missense variant. On other transcripts: 5 prime UTR variant (1).
Genome position (GRCh38, 1-based): chr11:119,341,759, A>G on the plus strand (T>C on the coding strand, the complement: MFRP is on the minus strand). VCF-style: chr11-119341759-A-G. GRCh37 (hg19) VCF-style: chr11-119212469-A-G.
Other names: c.-1108T>C (NM_015645.5); short protein forms L510P.
Identifiers: ClinVar variation 1498390 (VCV001498390.6), dbSNP rs2135367861, ClinGen allele CA382971802.